The following is an entry in ClinVar:

ClinVar aggregate classification (germline): Conflicting classifications of pathogenicity. Review status: criteria provided, conflicting classifications (1 of 4 stars). 3 submissions from 3 submitters: Uncertain significance (2); Likely benign (1). Last evaluated 2025-03-30.

Conditions:
Cardiovascular phenotype. Identifiers: MedGen CN230736.
Myofibrillar myopathy 4. Also called: Zaspopathy (type). Identifiers: Orphanet 98912, MedGen C4721886, MONDO:0012277, OMIM 609452.

Allele frequency attached by ClinVar (database versions not stated): ExAC 0.00001; gnomAD 0.00003 and 0.00004; TOPMed 0.00005; ESP Exome Variant Server 0.00008.
gnomAD v4.1: 12 of 1,608,898 alleles (0.00075%); highest among the groups gnomAD compares: African/African-American, 0.013%; no homozygotes.

Submissions (3):

Labcorp Genetics (formerly Invitae), Labcorp
Classification: Uncertain significance for Myofibrillar myopathy 4. Last evaluated: 2025-03-30. Review status: criteria provided, single submitter. Criteria: Invitae Variant Classification Sherloc (09022015). Collection method: clinical testing. Allele origin: germline.
Comment: The LDB3 gene has multiple clinically relevant transcripts. This variant occurs in alternate transcript NM_007078.3, and corresponds to NM_001080116.1:c.*17388A>G in the primary transcript. This sequence change replaces asparagine, which is neutral and polar, with serine, which is neutral and polar, at codon 556 of the LDB3 protein (p.Asn556Ser). This variant is present in population databases (rs372583830, gnomAD 0.007%). This variant has not been reported in the literature in individuals affected with LDB3-related conditions. An algorithm developed to predict the effect of missense changes on protein structure and function outputs the following: PolyPhen-2: "Not Available". The serine amino acid residue is found in multiple mammalian species, which suggests that this missense change does not adversely affect protein function. In summary, the available evidence is currently insufficient to determine the role of this variant in disease. Therefore, it has been classified as a Variant of Uncertain Significance.

Ambry Genetics
Classification: Likely benign for Cardiovascular phenotype. Last evaluated: 2023-11-13. Review status: criteria provided, single submitter. Criteria: Ambry Variant Classification Scheme 2023. Collection method: clinical testing. Allele origin: germline.

GeneDx
Classification: Uncertain significance. Last evaluated: 2017-01-16. Review status: criteria provided, single submitter. Criteria: GeneDx Variant Classification (06012015). Collection method: clinical testing. Allele origin: germline. Affected: yes.
Comment: The N556S variant of uncertain significance in the LDB3 gene has not been published as a pathogenic variant or been reported as a benign variant to our knowledge. This variant was not observed with any significant frequency in approximately 6,500 individuals of European and African American ancestry in the NHLBI Exome Sequencing Project, or in the Exome Aggregation Consortium, indicating it is not a common benign variant in these populations. However, the N556S variant is a conservative amino acid substitution, which is not likely to impact secondary protein structure as these residues share similar properties. Additionally, this substitution occurs at a position that is not conserved, where S556 is the native residue in multiple species. In silico analysis predicts this variant likely does not alter the protein structure/function.

NM_007078.3(LDB3):c.1667A>G (p.Asn556Ser)

Gene: LDB3 (LIM domain binding 3; plus strand). Cytogenetic location: 10q23.2.
Variant type: single nucleotide variant.
Coding change: c.1667A>G on transcript NM_007078.3 (MANE Select); coding-DNA position 1667, A replaced by G.
Protein change: p.Asn556Ser; replaces asparagine 556 with serine.
Molecular consequence: missense variant.
Genome position (GRCh38, 1-based): chr10:86,716,762, A>G. VCF-style: chr10-86716762-A-G. GRCh37 (hg19) VCF-style: chr10-88476519-A-G.
Other names: c.1667A>G (LRG_385t1); c.1337A>G, p.Asn446Ser (NM_001080114.2); c.1682A>G, p.Asn561Ser (NM_001171610.2); c.1478A>G, p.Asn493Ser (NM_001368064.1, NM_001368065.1); c.1526A>G, p.Asn509Ser (NM_001368066.1); short protein forms N556S, N493S, N509S, N446S, N561S.
Identifiers: ClinVar variation 383595 (VCV000383595.14), dbSNP rs372583830, ClinGen allele CA5585199.